The following is an entry in ClinVar:

NM_018051.5(DYNC2I1):c.3078G>A (p.Ala1026=)

Gene: DYNC2I1 (dynein 2 intermediate chain 1; plus strand). Cytogenetic location: 7q36.3.
Variant type: single nucleotide variant.
Coding change: c.3078G>A on transcript NM_018051.5 (MANE Select); coding-DNA position 3078, G replaced by A.
Protein change: p.Ala1026=; no amino-acid change (alanine 1026 retained).
Molecular consequence: synonymous variant.
Genome position (GRCh38, 1-based): chr7:158,945,656, G>A. VCF-style: chr7-158945656-G-A. GRCh37 (hg19) VCF-style: chr7-158738347-G-A.
Other names: c.2940G>A, p.Ala980= (NM_001350914.2); c.2505G>A, p.Ala835= (NM_001350915.2); c.1617G>A, p.Ala539= (NM_001350916.2); c.1830G>A, p.Ala610= (NM_001350917.2, NM_001350918.2); c.3078G>A (NM_018051.4).
Identifiers: ClinVar variation 2178551 (VCV002178551.6), dbSNP rs374045806, ClinGen allele CA4595204.

ClinVar aggregate classification (germline): Likely benign. Review status: criteria provided, single submitter (1 of 4 stars). 2 submissions from 2 submitters: Likely benign (1). 1 of the submissions does not count toward it. Last evaluated 2026-01-22.

Conditions:
DYNC2I1-related disorder. Also called: DYNC2I1-related condition.
Short-rib thoracic dysplasia 8 with or without polydactyly (SRTD8). Also called: SHORT-RIB THORACIC DYSPLASIA 8 WITH POLYDACTYLY. Identifiers: Orphanet 93271, MedGen C3809691, MONDO:0014214, OMIM 615503.

Allele frequency attached by ClinVar (database versions not stated): gnomAD 0.00006; TOPMed 0.00008; gnomAD exomes 0.00009; ExAC 0.00010; ESP Exome Variant Server 0.00016.
gnomAD v4.1: 138 of 1,612,316 alleles (0.0086%); highest among the groups gnomAD compares: Non-Finnish European, 0.011%; no homozygotes.

Submissions (2):

Labcorp Genetics (formerly Invitae), Labcorp
Classification: Likely benign for Short-rib thoracic dysplasia 8 with or without polydactyly. Last evaluated: 2026-01-22. Review status: criteria provided, single submitter. Criteria: Invitae Variant Classification Sherloc (09022015). Collection method: clinical testing. Allele origin: germline.

PreventionGenetics, part of Exact Sciences
Classification: Likely benign for DYNC2I1-related condition. Last evaluated: 2019-06-06. Review status: no assertion criteria provided. Collection method: clinical testing. Allele origin: germline. Not counted in ClinVar's aggregate classification.
Comment: This variant is classified as likely benign based on ACMG/AMP sequence variant interpretation guidelines (Richards et al. 2015 PMID: 25741868, with internal and published modifications).